The following is an entry in ClinVar:

NM_000287.4(PEX6):c.1368-2del

Gene: PEX6 (peroxisomal biogenesis factor 6; minus strand). Cytogenetic location: 6p21.1.
Variant type: Deletion.
Coding change: c.1368-2del on transcript NM_000287.4 (MANE Select); the canonical splice acceptor site of the intron before coding-DNA position 1368, one base deleted (A; older notation c.1368-2delA).
Molecular consequence: splice acceptor variant.
Genome position (GRCh38, 1-based): chr6:42,968,987, T deleted on the plus strand (A on the coding strand, the reverse complement: PEX6 is on the minus strand). VCF-style (leftmost placement, unchanged base first): chr6-42968986-CT-C. GRCh37 (hg19) VCF-style: chr6-42936724-CT-C.
Other names: c.1104-2del (NM_001316313.2).
Identifiers: ClinVar variation 553545 (VCV000553545.9), dbSNP rs1554127415, ClinGen allele CA658821897.

ClinVar aggregate classification (germline): Likely pathogenic. Review status: criteria provided, multiple submitters, no conflicts (2 of 4 stars). 3 submissions from 3 submitters: Likely pathogenic (2). 1 of the submissions does not count toward it. Last evaluated 2024-01-24.

Conditions:
Heimler syndrome 2 (HMLR2). Also called: PEROXISOME BIOGENESIS DISORDER 4C. Identifiers: Orphanet 3220, MedGen C4225267, OMIM 616617, MONDO:0014709.
Peroxisome biogenesis disorder 4A (Zellweger) (PBD4A). Also called: Zellweger syndrome spectrum (PEX6-related). Identifiers: Orphanet 912, MedGen C3553936, MONDO:0013930, OMIM 614862. Disease mechanism: loss of function.
Peroxisome biogenesis disorder 4B (PBD4B). Also called: SPINOCEREBELLAR ATAXIA WITH BLINDNESS AND DEAFNESS 1. Identifiers: Orphanet 44, Orphanet 95433, MedGen C3553937, MONDO:0013931, OMIM 614863.
Peroxisome biogenesis disorder. Identifiers: Orphanet 79189, MedGen C1832200, MONDO:0019234. Disease mechanism: loss of function.

Allele frequency attached by ClinVar (database versions not stated): gnomAD exomes below 0.00001.

Submissions (3):

Labcorp Genetics (formerly Invitae), Labcorp
Classification: Likely pathogenic for Peroxisome biogenesis disorder. Last evaluated: 2024-01-24. Review status: criteria provided, single submitter. Criteria: Invitae Variant Classification Sherloc (09022015). Collection method: clinical testing. Allele origin: germline.
Comment: This sequence change affects a splice site in intron 5 of the PEX6 gene. It is expected to disrupt RNA splicing. Variants that disrupt the donor or acceptor splice site typically lead to a loss of protein function (PMID: 16199547), and loss-of-function variants in PEX6 are known to be pathogenic (PMID: 10408779, 21031596, 31831025). This variant is not present in population databases (gnomAD no frequency). This variant has not been reported in the literature in individuals affected with PEX6-related conditions. ClinVar contains an entry for this variant (Variation ID: 553545). Algorithms developed to predict the effect of sequence changes on RNA splicing suggest that this variant may disrupt the consensus splice site. In summary, the currently available evidence indicates that the variant is pathogenic, but additional data are needed to prove that conclusively. Therefore, this variant has been classified as Likely Pathogenic.

Fulgent Genetics
Classification: Likely pathogenic for Peroxisome biogenesis disorder 4A (Zellweger); Peroxisome biogenesis disorder 4B; Heimler syndrome 2. Last evaluated: 2024-01-02. Review status: criteria provided, single submitter. Criteria: ACMG Guidelines, 2015. Collection method: clinical testing. Allele origin: germline.

Counsyl
Classification: Likely pathogenic for Peroxisome biogenesis disorder 4A (Zellweger); Peroxisome biogenesis disorder 4B. Last evaluated: 2017-08-29. Review status: no assertion criteria provided. Collection method: clinical testing. Allele origin: unknown. Not counted in ClinVar's aggregate classification.

Literature cited by the submitters: PubMed 16199547 (cited by Labcorp Genetics (formerly Invitae), Labcorp); PubMed 10408779 (cited by Labcorp Genetics (formerly Invitae), Labcorp); PubMed 21031596 (cited by Labcorp Genetics (formerly Invitae), Labcorp); PubMed 31831025 (cited by Labcorp Genetics (formerly Invitae), Labcorp).